The following is an entry in ClinVar:

ClinVar aggregate classification (germline): Conflicting classifications of pathogenicity. Review status: criteria provided, conflicting classifications (1 of 4 stars). 2 submissions from 2 submitters: Pathogenic (1); Uncertain significance (1). Last evaluated 2024-12-12.

Conditions:
Hyperalphalipoproteinemia 1 (HALP1). Also called: CETP-Related Hyperalphalipoproteinemia; CETP DEFICIENCY. Identifiers: MedGen C3149462, OMIM 143470.

Allele frequency attached by ClinVar (database versions not stated): ExAC 0.00002; gnomAD exomes 0.00005; ESP Exome Variant Server 0.00008.
gnomAD v4.1: 70 of 1,614,130 alleles (0.0043%); highest among the groups gnomAD compares: Middle Eastern, 0.066%; no homozygotes.

Submissions (2):

Institute of Immunology and Genetics Kaiserslautern
Classification: Pathogenic for Hyperalphalipoproteinemia 1. Last evaluated: 2024-12-12. Review status: criteria provided, single submitter. Criteria: ACMG Guidelines, 2015. Collection method: clinical testing. Allele origin: germline. Affected: yes.
Comment: ACMG Criteria: PVS1, PS3_P, PM2, PP5 ; Variant was found in heterozygous state

Revvity Omics, Revvity
Classification: Uncertain significance for Hyperalphalipoproteinemia 1. Last evaluated: 2022-03-14. Review status: criteria provided, single submitter. Criteria: ACMG Guidelines, 2015. Collection method: clinical testing. Allele origin: germline.

NM_000078.3(CETP):c.544C>T (p.Gln182Ter)

Gene: CETP (cholesteryl ester transfer protein; plus strand). Cytogenetic location: 16q13.
Variant type: single nucleotide variant.
Coding change: c.544C>T on transcript NM_000078.3 (MANE Select); coding-DNA position 544, C replaced by T.
Protein change: p.Gln182Ter; replaces glutamine 182 with a stop codon.
Molecular consequence: nonsense.
Genome position (GRCh38, 1-based): chr16:56,971,049, C>T. VCF-style: chr16-56971049-C-T. GRCh37 (hg19) VCF-style: chr16-57004961-C-T.
Other names: c.544C>T, p.Gln182Ter (NM_001286085.2); short protein forms Q182*.
Identifiers: ClinVar variation 2439924 (VCV002439924.4), dbSNP rs142750310, ClinGen allele CA8070982.